The following is an entry in ClinVar:

ClinVar aggregate classification (germline): Uncertain significance (1 of 4 stars; one submission).

Submission:

Labcorp Genetics (formerly Invitae), Labcorp
Classification: Uncertain significance. Last evaluated: 2023-06-07. Review status: criteria provided, single submitter. Criteria: Invitae Variant Classification Sherloc (09022015). Collection method: clinical testing. Allele origin: germline.
Comment: In summary, the available evidence is currently insufficient to determine the role of this variant in disease. Therefore, it has been classified as a Variant of Uncertain Significance. Experimental studies and prediction algorithms are not available or were not evaluated, and the functional significance of this variant is currently unknown. ClinVar contains an entry for this variant (Variation ID: 1508066). This variant has not been reported in the literature in individuals affected with COL18A1-related conditions. This variant is present in population databases (rs200702024, gnomAD 0.003%). This sequence change replaces methionine, which is neutral and non-polar, with valine, which is neutral and non-polar, at codon 118 of the COL18A1 protein (p.Met118Val).

NM_001379500.1(COL18A1):c.352A>G (p.Met118Val)

Gene: COL18A1 (collagen type XVIII alpha 1 chain; plus strand). Cytogenetic location: 21q22.3.
Variant type: single nucleotide variant.
Coding change: c.352A>G on transcript NM_001379500.1 (MANE Select); coding-DNA position 352, A replaced by G.
Protein change: p.Met118Val; replaces methionine 118 with valine.
Molecular consequence: missense variant.
Genome position (GRCh38, 1-based): chr21:45,468,487, A>G. VCF-style: chr21-45468487-A-G. GRCh37 (hg19) VCF-style: chr21-46888401-A-G.
Other names: c.892A>G, p.Met298Val (NM_030582.4); c.1597A>G, p.Met533Val (NM_130444.3); short protein forms M118V, M298V, M533V.
Identifiers: ClinVar variation 1508066 (VCV001508066.5), dbSNP rs200702024, ClinGen allele CA10065730.
Genomic context (GRCh38, chr21:45,468,487, plus strand): 5'-ATCCGGCCAGCCACAGAGGGCCCAGGGGTGCTGTTCGCCATCACGGACTCGGCGCAGGCC[A>G]TGGTCTTGCTGGGCGTGAAGCTCTCTGGGGTGCAGGACGGGCACCAGGACATCTCCCTGC-3'
Protein context (NP_001366429.1, residues 108-128): LFAITDSAQA[Met118Val]VLLGVKLSGV